The following is an entry in ClinVar:

ClinVar aggregate classification (germline): Uncertain significance (1 of 4 stars; one submission).

Conditions:
Myopathy, proximal, and ophthalmoplegia (CMYO6). Also called: MYOPATHY WITH CONGENITAL JOINT CONTRACTURES, OPHTHALMOPLEGIA, AND RIMMED VACUOLES; INCLUSION BODY MYOPATHY 3, AUTOSOMAL DOMINANT; CONGENITAL MYOPATHY 6 WITH OPHTHALMOPLEGIA. Identifiers: Orphanet 363677, Orphanet 79091, MedGen C1854106, MONDO:0011577, OMIM 605637.

Allele frequency attached by ClinVar (database versions not stated): ExAC 0.00002; gnomAD 0.00004; TOPMed 0.00004; ESP Exome Variant Server 0.00008.

Submission:

Labcorp Genetics (formerly Invitae), Labcorp
Classification: Uncertain significance for Myopathy, proximal, and ophthalmoplegia. Last evaluated: 2023-02-28. Review status: criteria provided, single submitter. Criteria: Invitae Variant Classification Sherloc (09022015). Collection method: clinical testing. Allele origin: germline.
Comment: In summary, the available evidence is currently insufficient to determine the role of this variant in disease. Therefore, it has been classified as a Variant of Uncertain Significance. Advanced modeling of protein sequence and biophysical properties (such as structural, functional, and spatial information, amino acid conservation, physicochemical variation, residue mobility, and thermodynamic stability) performed at Invitae indicates that this missense variant is not expected to disrupt MYH2 protein function. This variant has not been reported in the literature in individuals affected with MYH2-related conditions. This variant is present in population databases (rs377247367, gnomAD 0.02%). This sequence change replaces alanine, which is neutral and non-polar, with aspartic acid, which is acidic and polar, at codon 564 of the MYH2 protein (p.Ala564Asp).

NM_017534.6(MYH2):c.1691C>A (p.Ala564Asp)

Genes: MYHAS (myosin heavy chain gene cluster antisense RNA; plus strand), MYH2 (myosin heavy chain 2; minus strand). Cytogenetic location: 17p13.1.
Variant type: single nucleotide variant.
Coding change: c.1691C>A on transcript NM_017534.6 (MANE Select); coding-DNA position 1691, C replaced by A.
Protein change: p.Ala564Asp; replaces alanine 564 with aspartic acid.
Molecular consequence: missense variant.
Genome position (GRCh38, 1-based): chr17:10,537,439, G>T on the plus strand (C>A on the coding strand, the complement: MYH2 is on the minus strand). VCF-style: chr17-10537439-G-T. GRCh37 (hg19) VCF-style: chr17-10440756-G-T.
Other names: c.1691C>A, p.Ala564Asp (NM_001100112.2); short protein forms A564D.
Identifiers: ClinVar variation 2872294 (VCV002872294.3), dbSNP rs377247367, ClinGen allele CA8391310.
Genomic context (GRCh38, chr17:10,537,439, plus strand): 5'-TGAATCAGAGCGAAGTGGGCCTCGGCCTTGCCTTTGACCACCTTGGGCTTCTGGAAGTTG[G>T]CAGACTTGCCCAGGTGCTGGTCATACAGCTTGTTCTTGAAGGAGGTGTCTGTTGCCTTAG-3'
Protein context (NP_060004.3, residues 554-574): KLYDQHLGKS[Ala564Asp]NFQKPKVVKG